The following is an entry in ClinVar:

NM_018136.5(ASPM):c.4444C>T (p.Arg1482Trp)

Gene: ASPM (assembly factor for spindle microtubules; minus strand). Cytogenetic location: 1q31.3.
Variant type: single nucleotide variant.
Coding change: c.4444C>T on transcript NM_018136.5 (MANE Select); coding-DNA position 4444, C replaced by T.
Protein change: p.Arg1482Trp; replaces arginine 1482 with tryptophan.
Molecular consequence: missense variant. On other transcripts: intron variant (1).
Genome position (GRCh38, 1-based): chr1:197,104,807, G>A on the plus strand (C>T on the coding strand, the complement: ASPM is on the minus strand). VCF-style: chr1-197104807-G-A. GRCh37 (hg19) VCF-style: chr1-197073937-G-A.
Other names: c.4066-8643C>T (NM_001206846.2); c.4444C>T (NM_018136.4); short protein forms R1482W.
Identifiers: ClinVar variation 1445122 (VCV001445122.9), dbSNP rs371997190, ClinGen allele CA1309927.

ClinVar aggregate classification (germline): Uncertain significance. Review status: criteria provided, multiple submitters, no conflicts (2 of 4 stars). 4 submissions from 4 submitters: Uncertain significance (4). Last evaluated 2023-10-26.

Conditions:
Microcephaly 5, primary, autosomal recessive (MCPH5). Also called: ASPM Primary Microcephaly. Identifiers: Orphanet 2512, MedGen C1837501, MONDO:0012106, OMIM 608716.
Inborn genetic diseases. Identifiers: MedGen C0950123, MeSH D030342.

Allele frequency attached by ClinVar (database versions not stated): gnomAD 0.00002; TOPMed 0.00002; ExAC 0.00008; ESP Exome Variant Server 0.00008; gnomAD exomes 0.00008 and 0.00010.
gnomAD v4.1: 140 of 1,578,920 alleles (0.0089%); highest among the groups gnomAD compares: South Asian, 0.024%; 1 homozygote.

Submissions (4):

GeneDx
Classification: Uncertain significance. Last evaluated: 2023-10-26. Review status: criteria provided, single submitter. Criteria: GeneDx Variant Classification Process June 2021. Collection method: clinical testing. Allele origin: germline. Affected: yes.
Comment: In silico analysis supports that this missense variant has a deleterious effect on protein structure/function; Missense variant in a gene in which most reported pathogenic variants are truncating/loss of function; Has not been previously published as pathogenic or benign to our knowledge

Genome-Nilou Lab
Classification: Uncertain significance for Microcephaly 5, primary, autosomal recessive. Last evaluated: 2023-04-11. Review status: criteria provided, single submitter. Criteria: ACMG Guidelines, 2015. Collection method: clinical testing. Allele origin: germline. Affected: no.

Ambry Genetics
Classification: Uncertain significance for Inborn genetic diseases. Last evaluated: 2023-03-09. Review status: criteria provided, single submitter. Criteria: Ambry Variant Classification Scheme 2023. Collection method: clinical testing. Allele origin: germline.

Labcorp Genetics (formerly Invitae), Labcorp
Classification: Uncertain significance. Last evaluated: 2021-06-16. Review status: criteria provided, single submitter. Criteria: Invitae Variant Classification Sherloc (09022015). Collection method: clinical testing. Allele origin: germline.
Comment: In summary, the available evidence is currently insufficient to determine the role of this variant in disease. Therefore, it has been classified as a Variant of Uncertain Significance. Algorithms developed to predict the effect of missense changes on protein structure and function are either unavailable or do not agree on the potential impact of this missense change (SIFT: "Deleterious"; PolyPhen-2: "Probably Damaging"; Align-GVGD: "Class C0"). This variant has not been reported in the literature in individuals with ASPM-related conditions. This variant is present in population databases (rs371997190, ExAC 0.04%). This sequence change replaces arginine with tryptophan at codon 1482 of the ASPM protein (p.Arg1482Trp). The arginine residue is weakly conserved and there is a moderate physicochemical difference between arginine and tryptophan.